The following is an entry in ClinVar:

NM_005461.5(MAFB):c.914G>C (p.Gly305Ala)

Gene: MAFB (MAF bZIP transcription factor B; minus strand). Cytogenetic location: 20q12.
Variant type: single nucleotide variant.
Coding change: c.914G>C on transcript NM_005461.5 (MANE Select); coding-DNA position 914, G replaced by C.
Protein change: p.Gly305Ala; replaces glycine 305 with alanine.
Molecular consequence: missense variant.
Genome position (GRCh38, 1-based): chr20:40,687,937, C>G on the plus strand (G>C on the coding strand, the complement: MAFB is on the minus strand). VCF-style: chr20-40687937-C-G. GRCh37 (hg19) VCF-style: chr20-39316577-C-G.
Other names: short protein forms G305A.
Identifiers: ClinVar variation 4753113 (VCV004753113.1).
Genomic context (GRCh38, chr20:40,687,937, plus strand): 5'-ACTCACAGAAAGAACTCGGGAGAGGAGGGGCTGTCGCTGGTGGAGCCCGCCTCCCTGAAG[C>G]CGGAGTTGGCGAGTTTCTCGCACTTGACCTTGTAGGCGTCTCTCTCGCGGGCCAGCCGGG-3'
Protein context (NP_005452.2, residues 295-315): KVKCEKLANS[Gly305Ala]FREAGSTSDS

ClinVar aggregate classification (germline): Uncertain significance (1 of 4 stars; one submission).

gnomAD v4.1: 10 of 1,613,684 alleles (0.00062%); highest among the groups gnomAD compares: Non-Finnish European, 0.00068%; no homozygotes.

Submission:

Labcorp Genetics (formerly Invitae), Labcorp
Classification: Uncertain significance. Last evaluated: 2025-12-04. Review status: criteria provided, single submitter. Criteria: Invitae Variant Classification Sherloc (09022015). Collection method: clinical testing. Allele origin: germline.
Comment: This sequence change replaces glycine, which is neutral and non-polar, with alanine, which is neutral and non-polar, at codon 305 of the MAFB protein (p.Gly305Ala). This variant is present in population databases (rs747176764, gnomAD 0.002%). This variant has not been reported in the literature in individuals affected with MAFB-related conditions. Invitae Evidence Modeling of protein sequence and biophysical properties (such as structural, functional, and spatial information, amino acid conservation, physicochemical variation, residue mobility, and thermodynamic stability) indicates that this missense variant is not expected to disrupt MAFB protein function with a negative predictive value of 95%. In summary, the available evidence is currently insufficient to determine the role of this variant in disease. Therefore, it has been classified as a Variant of Uncertain Significance.